The following is an entry in ClinVar:

NM_005475.3(SH2B3):c.413T>C (p.Phe138Ser)

Gene: SH2B3 (SH2B adaptor protein 3; plus strand). Cytogenetic location: 12q24.12.
Variant type: single nucleotide variant.
Coding change: c.413T>C on transcript NM_005475.3 (MANE Select); coding-DNA position 413, T replaced by C.
Protein change: p.Phe138Ser; replaces phenylalanine 138 with serine.
Molecular consequence: missense variant.
Genome position (GRCh38, 1-based): chr12:111,418,558, T>C. VCF-style: chr12-111418558-T-C. GRCh37 (hg19) VCF-style: chr12-111856362-T-C.
Other names: short protein forms F138S.
Identifiers: ClinVar variation 3795120 (VCV003795120.1).
Genomic context (GRCh38, chr12:111,418,558, plus strand): 5'-CCCGCAGCTCTGAGGAGCTGGCCCCGCCGCGGCCGCCCGGGCCCTGCTCCTTCCAGCACT[T>C]TCGCCGCAGCCTCCGCCACATCTTCCGCCGCCGCTCGGCCGGGGAGCTGCCAGCGGCCCA-3'
Protein context (NP_005466.1, residues 128-148): RPPGPCSFQH[Phe138Ser]RRSLRHIFRR

ClinVar aggregate classification (germline): Uncertain significance (1 of 4 stars; one submission).

Conditions:
Inborn genetic diseases. Identifiers: MedGen C0950123, MeSH D030342.

Submission:

Ambry Genetics
Classification: Uncertain significance for Inborn genetic diseases. Last evaluated: 2025-01-19. Review status: criteria provided, single submitter. Criteria: Ambry Variant Classification Scheme 2023. Collection method: clinical testing. Allele origin: germline.
Comment: The p.F138S variant (also known as c.413T>C), located in coding exon 1 of the SH2B3 gene, results from a T to C substitution at nucleotide position 413. The phenylalanine at codon 138 is replaced by serine, an amino acid with highly dissimilar properties. This amino acid position is conserved. In addition, this alteration is predicted to be tolerated by in silico analysis. Based on the available evidence, the clinical significance of this variant remains unclear.